The following is an entry in ClinVar:

NM_000719.7(CACNA1C):c.3552G>T (p.Lys1184Asn)

Gene: CACNA1C (calcium voltage-gated channel subunit alpha1 C; plus strand). Cytogenetic location: 12p13.33.
Variant type: single nucleotide variant.
Coding change: c.3552G>T on transcript NM_000719.7 (MANE Select); coding-DNA position 3552, G replaced by T.
Protein change: p.Lys1184Asn; replaces lysine 1184 with asparagine.
Molecular consequence: missense variant.
Genome position (GRCh38, 1-based): chr12:2,608,706, G>T. VCF-style: chr12-2608706-G-T. GRCh37 (hg19) VCF-style: chr12-2717872-G-T.
Other names: c.3612G>T, p.Lys1204Asn (NM_001129827.2, NM_001129832.2, NM_199460.4); c.3552G>T, p.Lys1184Asn (NM_001129829.2, NM_001129830.3, NM_001129831.2 and 15 more transcripts); c.3543G>T, p.Lys1181Asn (NM_001129844.2); short protein forms K1181N, K1184N, K1204N.
Identifiers: ClinVar variation 1356343 (VCV001356343.8), dbSNP rs2076336777, ClinGen allele CA383375836.
Genomic context (GRCh38, chr12:2,608,706, plus strand): 5'-CGTCATCGTCACCTTTCAGGAGCAGGGGGAGCAGGAGTACAAGAACTGTGAGCTGGACAA[G>T]AACCAGGTAGCTTCCTAGGAAGGAGCGGAGGGAAGCGGGGCCCACGGAGGGAATGGCAGC-3'
Protein context (NP_000710.5, residues 1174-1194): EQEYKNCELD[Lys1184Asn]NQRQCVEYAL

ClinVar aggregate classification (germline): Uncertain significance (1 of 4 stars; one submission).

Conditions:
Long QT syndrome (LQTS). Identifiers: MedGen C0023976, MeSH D008133, MONDO:0002442. Disease mechanism: loss of function. Inheritance: Various modes of inheritance.

Submission:

Labcorp Genetics (formerly Invitae), Labcorp
Classification: Uncertain significance for Long QT syndrome. Last evaluated: 2023-09-08. Review status: criteria provided, single submitter. Criteria: Invitae Variant Classification Sherloc (09022015). Collection method: clinical testing. Allele origin: germline.
Comment: Advanced modeling of protein sequence and biophysical properties (such as structural, functional, and spatial information, amino acid conservation, physicochemical variation, residue mobility, and thermodynamic stability) performed at Invitae indicates that this missense variant is expected to disrupt CACNA1C protein function. In summary, the available evidence is currently insufficient to determine the role of this variant in disease. Therefore, it has been classified as a Variant of Uncertain Significance. ClinVar contains an entry for this variant (Variation ID: 1356343). This variant has not been reported in the literature in individuals affected with CACNA1C-related conditions. This variant is not present in population databases (gnomAD no frequency). This sequence change replaces lysine, which is basic and polar, with asparagine, which is neutral and polar, at codon 1184 of the CACNA1C protein (p.Lys1184Asn).